The following is an entry in ClinVar:

NM_032228.6(FAR1):c.220G>T (p.Asp74Tyr)

Gene: FAR1 (fatty acyl-CoA reductase 1; plus strand). Cytogenetic location: 11p15.3.
Variant type: single nucleotide variant.
Coding change: c.220G>T on transcript NM_032228.6 (MANE Select); coding-DNA position 220, G replaced by T.
Protein change: p.Asp74Tyr; replaces aspartic acid 74 with tyrosine.
Molecular consequence: missense variant.
Genome position (GRCh38, 1-based): chr11:13,700,347, G>T. VCF-style: chr11-13700347-G-T. GRCh37 (hg19) VCF-style: chr11-13721894-G-T.
Other names: short protein forms D74Y.
Identifiers: ClinVar variation 2847956 (VCV002847956.3), dbSNP rs2500114069, ClinGen allele CA379856384.

ClinVar aggregate classification (germline): Uncertain significance (1 of 4 stars; one submission).

Submission:

Labcorp Genetics (formerly Invitae), Labcorp
Classification: Uncertain significance. Last evaluated: 2023-04-03. Review status: criteria provided, single submitter. Criteria: Invitae Variant Classification Sherloc (09022015). Collection method: clinical testing. Allele origin: germline.
Comment: In summary, the available evidence is currently insufficient to determine the role of this variant in disease. Therefore, it has been classified as a Variant of Uncertain Significance. Advanced modeling of protein sequence and biophysical properties (such as structural, functional, and spatial information, amino acid conservation, physicochemical variation, residue mobility, and thermodynamic stability) performed at Invitae indicates that this missense variant is not expected to disrupt FAR1 protein function. This variant has not been reported in the literature in individuals affected with FAR1-related conditions. This variant is not present in population databases (gnomAD no frequency). This sequence change replaces aspartic acid, which is acidic and polar, with tyrosine, which is neutral and polar, at codon 74 of the FAR1 protein (p.Asp74Tyr).